The following is an entry in ClinVar:

NM_016006.6(ABHD5):c.*1756G>T

Gene: ABHD5 (abhydrolase domain containing 5, lysophosphatidic acid acyltransferase; plus strand). Cytogenetic location: 3p21.33.
Variant type: single nucleotide variant.
Coding change: c.*1756G>T on transcript NM_016006.6 (MANE Select); 1756 bases downstream of the stop codon, G replaced by T.
Molecular consequence: 3 prime UTR variant. On other transcripts: non-coding transcript variant (1), intron variant (1).
Genome position (GRCh38, 1-based): chr3:43,720,288, G>T. VCF-style: chr3-43720288-G-T. GRCh37 (hg19) VCF-style: chr3-43761780-G-T.
Other names: c.*1756G>T (NM_001365649.1); c.*1782G>T (NM_001365650.1); c.29+1727G>T (NM_001355186.2).
Identifiers: ClinVar variation 345247 (VCV000345247.5), dbSNP rs34048061, ClinGen allele CA10618817.
Genomic context (GRCh38, chr3:43,720,288, plus strand): 5'-GGTAATATTTTTGTATTTTTGTTTTACACACTCTCTAATCTCAATTATCCTTTGCTGGGA[G>T]AATGACAGGTTTCACTTATACAGGAAGGTTTTTGCACAGGAAATTTGGTCCCAGCCCTTG-3'

ClinVar aggregate classification (germline): Benign (1 of 4 stars; one submission).

Conditions:
Triglyceride storage disease with ichthyosis (CDS). Also called: Dorfman-Chanarin disease; ICHTHYOSIFORM ERYTHRODERMA WITH LEUKOCYTE VACUOLATION; TRIGLYCERIDE STORAGE DISEASE WITH IMPAIRED LONG-CHAIN FATTY ACID OXIDATION; Chanarin-Dorfman Syndrome. Identifiers: Orphanet 98907, MedGen C0268238, MONDO:0010155, OMIM 275630.

Allele frequency attached by ClinVar (database versions not stated): gnomAD 0.04624 and 0.04999; TOPMed 0.05451; 1000 Genomes Project 30x 0.08963; 1000 Genomes Project 0.08966.

Submission:

Illumina Laboratory Services, Illumina
Classification: Benign for Triglyceride storage disease with ichthyosis. Last evaluated: 2018-01-12. Review status: criteria provided, single submitter. Criteria: ICSL Variant Classification Criteria 13 December 2019. Collection method: clinical testing. Allele origin: germline.
Comment: This variant was observed in the ICSL laboratory as part of a predisposition screen in an ostensibly healthy population. It had not been previously curated by ICSL or reported in the Human Gene Mutation Database (HGMD: prior to June 1st, 2018), and was therefore a candidate for classification through an automated scoring system. Utilizing variant allele frequency, disease prevalence and penetrance estimates, and inheritance mode, an automated score was calculated to assess if this variant is too frequent to cause the disease. Based on the score and internal cut-off values, a variant classified as benign is not then subjected to further curation. The score for this variant resulted in a classification of benign for this disease.